The following is an entry in ClinVar:

ClinVar aggregate classification (germline): Pathogenic/Likely pathogenic. Review status: criteria provided, multiple submitters, no conflicts (2 of 4 stars). 3 submissions from 3 submitters: Pathogenic (1); Likely pathogenic (1). 1 of the submissions does not count toward it. Last evaluated 2025-05-24.

Conditions:
Combined oxidative phosphorylation deficiency 38. Identifiers: MedGen C5193064, MONDO:0032712, OMIM 618378.

Allele frequency attached by ClinVar (database versions not stated): gnomAD exomes below 0.00001; gnomAD 0.00001; TOPMed 0.00002.
gnomAD v4.1: 2 of 1,613,940 alleles (0.00012%); highest among the groups gnomAD compares: Non-Finnish European, 0.00017%; no homozygotes.

Submissions (3):

Medical Genetics Department, Antalya Training and Research Hospital
Classification: Pathogenic for Combined oxidative phosphorylation deficiency 38. Last evaluated: 2025-05-24. Review status: criteria provided, single submitter. Criteria: ACMG Guidelines, 2015. Collection method: clinical testing. Allele origin: germline. Inheritance: Autosomal recessive inheritance. Affected: yes. Observed: 1 homozygote.
Comment: Biallelic Arg108Cys variant in MRPS14 has been reported in a patient with combined oxidative phosphorylation deficiency 38 (Jackson 2019) and is absent in population studies. Here we report this variant in two siblings with a similar phenotype. Heterozygous parents are healthy. In vitro functional studies indicate that the Arg108Cys variant impairs mitochondrial translation and disruptes ribosomal mRNA channel.(Jackson 2019). In summary, the Arg108Cys variant meets the criteria to be classified as pathogenic based upon the compatible phenotype, segregation with the disease, absence in controls, and functional evidence.

CeGaT Center for Human Genetics Tuebingen
Classification: Likely pathogenic. Last evaluated: 2023-08-01. Review status: criteria provided, single submitter. Criteria: CeGaT Center For Human Genetics Tuebingen Variant Classification Criteria Version 2. Collection method: clinical testing. Allele origin: germline. Affected: yes. Observed: 1 variant allele.
Comment: MRPS14: PM2, PM3, PP3, PS3:Supporting

OMIM
Classification: Pathogenic for COMBINED OXIDATIVE PHOSPHORYLATION DEFICIENCY 38. Last evaluated: 2026-02-02. Review status: no assertion criteria provided. Collection method: literature only. Allele origin: germline. Not counted in ClinVar's aggregate classification.

Literature cited by the submitters: PubMed 30358850 (cited by Medical Genetics Department, Antalya Training and Research Hospital and OMIM).

NM_022100.3(MRPS14):c.322C>T (p.Arg108Cys)

Gene: MRPS14 (mitochondrial ribosomal protein S14; minus strand). Cytogenetic location: 1q25.1.
Variant type: single nucleotide variant.
Coding change: c.322C>T on transcript NM_022100.3 (MANE Select); coding-DNA position 322, C replaced by T.
Protein change: p.Arg108Cys; replaces arginine 108 with cysteine.
Molecular consequence: missense variant. On other transcripts: non-coding transcript variant (1).
Genome position (GRCh38, 1-based): chr1:175,014,734, G>A on the plus strand (C>T on the coding strand, the complement: MRPS14 is on the minus strand). VCF-style: chr1-175014734-G-A. GRCh37 (hg19) VCF-style: chr1-174983870-G-A.
Other names: short protein forms R108C.
Identifiers: ClinVar variation 625168 (VCV000625168.27), dbSNP rs990763738, ClinGen allele CA32812618.
Genomic context (GRCh38, chr1:175,014,734, plus strand): 5'-ATGTCGCTCGCTGGATCCCAGAAAGTTGCCCATGGTCAGCTAAGTGACGGAAGACTATAC[G>A]ACTAAGCCTCCAGCGCCGCTTCACACCACGCGGACGGGACGTCATAACACACCGATTTCT-3'
Protein context (NP_071383.1, residues 98-118): RGVKRRWRLS[Arg108Cys]IVFRHLADHG